The following is an entry in ClinVar:

NM_001005242.3(PKP2):c.-1C>T

Gene: PKP2 (plakophilin 2; minus strand). Cytogenetic location: 12p11.21.
Variant type: single nucleotide variant.
Coding change: c.-1C>T on transcript NM_001005242.3 (MANE Select); 1 bases upstream of the start codon, C replaced by T.
Molecular consequence: 5 prime UTR variant.
Genome position (GRCh38, 1-based): chr12:32,896,732, G>A on the plus strand (C>T on the coding strand, the complement: PKP2 is on the minus strand). VCF-style: chr12-32896732-G-A. GRCh37 (hg19) VCF-style: chr12-33049666-G-A.
Other names: c.-1C>T (NM_001407155.1, NM_001407156.1, NM_001407157.1 and 2 more transcripts); c.-827C>T (NM_001407158.1, NM_001407162.1); c.-591C>T (NM_001407159.1, NM_001407160.1).
Identifiers: ClinVar variation 4757525 (VCV004757525.1).

ClinVar aggregate classification (germline): Uncertain significance (1 of 4 stars; one submission).

Conditions:
Cardiomyopathy (CMYO). Also called: Cardiomyopathies. Identifiers: Orphanet 167848, MedGen C0878544, MONDO:0004994, HP:0001638. Inheritance: Various modes of inheritance.

Submission:

Color Diagnostics, LLC DBA Color Health
Classification: Uncertain significance for Cardiomyopathy. Last evaluated: 2025-06-30. Review status: criteria provided, single submitter. Criteria: ACMG Guidelines, 2015. Collection method: clinical testing. Allele origin: germline.
Comment: This variant is located in the 5' untranslated region of the PKP2 gene. To our knowledge, functional studies have not been reported for this variant. This variant has not been reported in individuals affected with PKP2-related disorders in the literature. This variant has not been identified in the general population by the Genome Aggregation Database (gnomAD). The available evidence is insufficient to determine the role of this variant in disease conclusively. Therefore, this variant is classified as a Variant of Uncertain Significance.